The following is an entry in ClinVar:

NM_002835.4(PTPN12):c.2116G>A (p.Glu706Lys)

Gene: PTPN12 (protein tyrosine phosphatase non-receptor type 12; plus strand). Cytogenetic location: 7q11.23.
Variant type: single nucleotide variant.
Coding change: c.2116G>A on transcript NM_002835.4 (MANE Select); coding-DNA position 2116, G replaced by A.
Protein change: p.Glu706Lys; replaces glutamic acid 706 with lysine.
Molecular consequence: missense variant.
Genome position (GRCh38, 1-based): chr7:77,635,823, G>A. VCF-style: chr7-77635823-G-A. GRCh37 (hg19) VCF-style: chr7-77265140-G-A.
Other names: c.1759G>A, p.Glu587Lys (NM_001131008.2); c.1726G>A, p.Glu576Lys (NM_001131009.2); short protein forms E576K, E587K, E706K.
Identifiers: ClinVar variation 3056245 (VCV003056245.2), dbSNP rs2230602, ClinGen allele CA4311943.
Genomic context (GRCh38, chr7:77,635,823, plus strand): 5'-AAGATTTCATTTTTCTCAGATACACCTGTAAGATCGGAATGGAGTGAACTTCAAAGTCAG[G>A]AACGATCTGAACAAAAAAAGTCTGAAGTAAGTCCTTTTGGAATTGGAACAGTTATAGCTT-3'
Protein context (NP_002826.3, residues 696-716): RSEWSELQSQ[Glu706Lys]RSEQKKSEGL

ClinVar aggregate classification (germline): Benign (0 of 4 stars; one submission).

Conditions:
PTPN12-related disorder. Also called: PTPN12-related condition.

Allele frequency attached by ClinVar (database versions not stated): 1000 Genomes Project 0.03095; 1000 Genomes Project 30x 0.03201; gnomAD 0.04890; TOPMed 0.04947; ESP Exome Variant Server 0.05468; ExAC 0.05721; gnomAD exomes 0.07027.
gnomAD v4.1: 108,911 of 1,605,022 alleles (6.8%); highest among the groups gnomAD compares: Non-Finnish European, 7.9%; 4,211 homozygotes.

Submission:

PreventionGenetics, part of Exact Sciences
Classification: Benign for PTPN12-related condition. Last evaluated: 2020-02-03. Review status: no assertion criteria provided. Collection method: clinical testing. Allele origin: germline.
Comment: This variant is classified as benign based on ACMG/AMP sequence variant interpretation guidelines (Richards et al. 2015 PMID: 25741868, with internal and published modifications).